The following is an entry in ClinVar:

NM_001060.6(TBXA2R):c.100T>C (p.Phe34Leu)

Gene: TBXA2R (thromboxane A2 receptor; minus strand). Cytogenetic location: 19p13.3.
Variant type: single nucleotide variant.
Coding change: c.100T>C on transcript NM_001060.6 (MANE Select); coding-DNA position 100, T replaced by C.
Protein change: p.Phe34Leu; replaces phenylalanine 34 with leucine.
Molecular consequence: missense variant.
Genome position (GRCh38, 1-based): chr19:3,600,535, A>G on the plus strand (T>C on the coding strand, the complement: TBXA2R is on the minus strand). VCF-style: chr19-3600535-A-G. GRCh37 (hg19) VCF-style: chr19-3600533-A-G.
Other names: c.100T>C, p.Phe34Leu (NM_201636.3); short protein forms F34L.
Identifiers: ClinVar variation 1050757 (VCV001050757.8), dbSNP rs201896336, ClinGen allele CA9080937.

ClinVar aggregate classification (germline): Uncertain significance. Review status: criteria provided, multiple submitters, no conflicts (2 of 4 stars). 4 submissions from 4 submitters: Uncertain significance (3). 1 of the submissions does not count toward it. Last evaluated 2025-11-08.

Allele frequency attached by ClinVar (database versions not stated): gnomAD exomes 0.00006 and 0.00023; gnomAD 0.00011 and 0.00013; 1000 Genomes Project 30x 0.00016; ExAC 0.00016; 1000 Genomes Project 0.00020; TOPMed 0.00022.
gnomAD v4.1: 102 of 1,612,026 alleles (0.0063%); highest among the groups gnomAD compares: Admixed American, 0.13%; no homozygotes.

Submissions (4):

Labcorp Genetics (formerly Invitae), Labcorp
Classification: Uncertain significance. Last evaluated: 2025-11-08. Review status: criteria provided, single submitter. Criteria: Invitae Variant Classification Sherloc (09022015). Collection method: clinical testing. Allele origin: germline.
Comment: This sequence change replaces phenylalanine, which is neutral and non-polar, with leucine, which is neutral and non-polar, at codon 34 of the TBXA2R protein (p.Phe34Leu). This variant is present in population databases (rs201896336, gnomAD 0.1%), and has an allele count higher than expected for a pathogenic variant. This variant has not been reported in the literature in individuals affected with TBXA2R-related conditions. ClinVar contains an entry for this variant (Variation ID: 1050757). Invitae Evidence Modeling of protein sequence and biophysical properties (such as structural, functional, and spatial information, amino acid conservation, physicochemical variation, residue mobility, and thermodynamic stability) indicates that this missense variant is not expected to disrupt TBXA2R protein function with a negative predictive value of 80%. In summary, the available evidence is currently insufficient to determine the role of this variant in disease. Therefore, it has been classified as a Variant of Uncertain Significance.

Women's Health and Genetics/Laboratory Corporation of America, LabCorp
Classification: Uncertain significance. Last evaluated: 2024-05-30. Review status: criteria provided, single submitter. Criteria: LabCorp Variant Classification Summary - May 2015. Collection method: clinical testing. Allele origin: germline.
Comment: Variant summary: TBXA2R c.100T>C (p.Phe34Leu) results in a non-conservative amino acid change in the encoded protein sequence. Three of five in-silico tools predict a damaging effect of the variant on protein function. The variant allele was found at a frequency of 0.00023 in 243546 control chromosomes, predominantly in individuals of Latino descent at a frequency of 0.0014 in 34404 control chromosomes, suggesting the variant could be benign. To our knowledge, no occurrence of c.100T>C in individuals affected with Bleeding Diathesis Due To Thromboxane Synthesis Deficiency and no experimental evidence demonstrating its impact on protein function have been reported. The following publication has been ascertained in the context of this evaluation (PMID: 26297398). ClinVar contains an entry for this variant (Variation ID: 1050757). Based on the evidence outlined above, the variant was classified as VUS-possibly benign.

Blueprint Genetics
Classification: Uncertain significance. Last evaluated: 2024-03-01. Review status: criteria provided, single submitter. Criteria: ACMG Guidelines, 2015. Collection method: clinical testing. Allele origin: germline.

Department of Pathology and Laboratory Medicine, Sinai Health System
Classification: Uncertain significance. Review status: no assertion criteria provided. Collection method: clinical testing. Allele origin: unknown. Affected: yes. Study: The Canadian Open Genetics Repository (COGR). Not counted in ClinVar's aggregate classification.
Comment: The TBXA2R p.Phe34Leu variant was not identified in the literature nor was it identified in ClinVar, Cosmic or LOVD 3.0. The variant was identified in dbSNP (ID: rs201896336) and was also found in control databases in 56 of 243546 chromosomes at a frequency of 0.00023 (Genome Aggregation Database Feb 27, 2017), in the following populations: Latino in 49 of 34404 chromosomes (freq: 0.001424), Other in 1 of 5962 chromosomes (freq: 0.000168) and European (non-Finnish) in 6 of 108486 chromosomes (freq: 0.000055), while the variant was not observed in the African, Ashkenazi Jewish, East Asian, European (Finnish) and South Asian populations. The variant occurs outside of the splicing consensus sequence and in silico or computational prediction software programs (SpliceSiteFinder, MaxEntScan, NNSPLICE, GeneSplicer) do not predict a difference in splicing. The p.Phe34 residue is conserved in mammals and computational analyses (PolyPhen-2, SIFT, AlignGVGD, BLOSUM, MutationTaster) provide inconsistent predictions regarding the impact to the protein; this information is not very predictive of pathogenicity. In summary, based on the above information the clinical significance of this variant cannot be determined with certainty at this time. This variant is classified as a variant of uncertain significance.

Literature cited by the submitters: PubMed 26297398 (cited by Women's Health and Genetics/Laboratory Corporation of America, LabCorp).